The following is an entry in ClinVar:

ClinVar aggregate classification (germline): Uncertain significance (1 of 4 stars; one submission).

Conditions:
Inborn genetic diseases. Identifiers: MedGen C0950123, MeSH D030342.

Submission:

Ambry Genetics
Classification: Uncertain significance for Inborn genetic diseases. Last evaluated: 2025-05-23. Review status: criteria provided, single submitter. Criteria: Ambry Variant Classification Scheme 2023. Collection method: clinical testing. Allele origin: germline.
Comment: The p.A896G variant (also known as c.2687C>G), located in coding exon 28 of the RTEL1 gene, results from a C to G substitution at nucleotide position 2687. The alanine at codon 896 is replaced by glycine, an amino acid with similar properties. This amino acid position is conserved. In addition, this alteration is predicted to be tolerated by in silico analysis. Based on the available evidence, the clinical significance of this variant remains unclear.

NM_001283009.2(RTEL1):c.2687C>G (p.Ala896Gly)

Genes: RTEL1 (regulator of telomere elongation helicase 1; plus strand), RTEL1-TNFRSF6B (RTEL1-TNFRSF6B readthrough (NMD candidate); plus strand). Cytogenetic location: 20q13.33.
Variant type: single nucleotide variant.
Coding change: c.2687C>G on transcript NM_001283009.2 (MANE Select); coding-DNA position 2687, C replaced by G.
Protein change: p.Ala896Gly; replaces alanine 896 with glycine.
Molecular consequence: missense variant. On other transcripts: non-coding transcript variant (1).
Genome position (GRCh38, 1-based): chr20:63,692,839, C>G. VCF-style: chr20-63692839-C-G. GRCh37 (hg19) VCF-style: chr20-62324192-C-G.
Other names: c.2018C>G, p.Ala673Gly (NM_001283010.1); c.2687C>G, p.Ala896Gly (NM_016434.4); c.2759C>G, p.Ala920Gly (NM_032957.5); short protein forms A673G, A920G, A896G.
Identifiers: ClinVar variation 3948409 (VCV003948409.1).